The following is an entry in ClinVar:

ClinVar aggregate classification (germline): Uncertain significance (1 of 4 stars; one submission).

Allele frequency attached by ClinVar (database versions not stated): gnomAD exomes 0.00019; ESP Exome Variant Server 0.00031; ExAC 0.00004; TOPMed 0.00008; gnomAD 0.00012.
gnomAD v4.1: 282 of 1,613,948 alleles (0.017%); highest among the groups gnomAD compares: African/African-American, 0.023%; no homozygotes.

Submission:

Ambry Genetics
Classification: Uncertain significance. Last evaluated: 2026-02-24. Review status: criteria provided, single submitter. Criteria: Ambry Variant Classification Scheme 2023. Collection method: clinical testing. Allele origin: germline.
Comment: The c.1597C>T (p.R533W) alteration is located in exon 13 (coding exon 13) of the AXL gene. This alteration results from a C to T substitution at nucleotide position 1597, causing the arginine (R) at amino acid position 533 to be replaced by a tryptophan (W). Based on data from gnomAD, the T allele has an overall frequency of 0.007% (21/282706) total alleles studied. The highest observed frequency was 0.024% (6/24954) of African alleles. Based on insufficient or conflicting evidence, the clinical significance of this alteration remains unclear.

NM_021913.5(AXL):c.1597C>T (p.Arg533Trp)

Gene: AXL (AXL receptor tyrosine kinase; plus strand). Cytogenetic location: 19q13.2.
Variant type: single nucleotide variant.
Coding change: c.1597C>T on transcript NM_021913.5 (MANE Select); coding-DNA position 1597, C replaced by T.
Protein change: p.Arg533Trp; replaces arginine 533 with tryptophan.
Molecular consequence: missense variant.
Genome position (GRCh38, 1-based): chr19:41,248,573, C>T. VCF-style: chr19-41248573-C-T. GRCh37 (hg19) VCF-style: chr19-41754478-C-T.
Other names: c.793C>T, p.Arg265Trp (NM_001278599.2); c.1570C>T, p.Arg524Trp (NM_001699.6); short protein forms R524W, R533W, R265W.
Identifiers: ClinVar variation 2364597 (VCV002364597.3), dbSNP rs144179986, ClinGen allele CA9458380.
Genomic context (GRCh38, chr19:41,248,573, plus strand): 5'-GTGAACAGCCTGGGCATCAGTGAAGAGCTGAAGGAGAAGCTGCGGGATGTGATGGTGGAC[C>T]GGCACAAGGTGGCCCTGGGGAAGACTCTGGGAGAGGGTGAGTCCCCCGGCAGCATACACA-3'
Protein context (NP_068713.2, residues 523-543): KEKLRDVMVD[Arg533Trp]HKVALGKTLG